The following is an entry in ClinVar:

ClinVar aggregate classification (germline): Likely benign. Review status: criteria provided, multiple submitters, no conflicts (2 of 4 stars). 2 submissions from 2 submitters: Likely benign (2). Last evaluated 2024-11-27.

Allele frequency attached by ClinVar (database versions not stated): 1000 Genomes Project 30x 0.00062; 1000 Genomes Project 0.00080; ExAC 0.00199; ESP Exome Variant Server 0.00208; TOPMed 0.00269.

Submissions (2):

Blueprint Genetics
Classification: Likely benign. Last evaluated: 2024-11-27. Review status: criteria provided, single submitter. Criteria: ACMG Guidelines, 2015. Collection method: clinical testing. Allele origin: germline.

CeGaT Center for Human Genetics Tuebingen
Classification: Likely benign. Last evaluated: 2022-08-01. Review status: criteria provided, single submitter. Criteria: CeGaT Center For Human Genetics Tuebingen Variant Classification Criteria Version 2. Collection method: clinical testing. Allele origin: germline. Affected: yes. Observed: 1 variant allele.
Comment: ZNF599: BP4

NM_001007248.3(ZNF599):c.710G>A (p.Arg237His)

Gene: ZNF599 (zinc finger protein 599; minus strand). Cytogenetic location: 19q13.11.
Variant type: single nucleotide variant.
Coding change: c.710G>A on transcript NM_001007248.3 (MANE Select); coding-DNA position 710, G replaced by A.
Protein change: p.Arg237His; replaces arginine 237 with histidine.
Molecular consequence: missense variant.
Genome position (GRCh38, 1-based): chr19:34,760,091, C>T on the plus strand (G>A on the coding strand, the complement: ZNF599 is on the minus strand). VCF-style: chr19-34760091-C-T. GRCh37 (hg19) VCF-style: chr19-35250996-C-T.
Other names: short protein forms R237H.
Identifiers: ClinVar variation 2649708 (VCV002649708.25), dbSNP rs149040820, ClinGen allele CA9369925.
Genomic context (GRCh38, chr19:34,760,091, plus strand): 5'-CACTTGTATGGTTTTTCCCCAGTATGAAGCCTCATATGTCGAATGACATCAGCCATATAA[C>T]GACAGGCTTTCCCACACTCATTGCACTCATAGGGCTTCACTCCAGCATGAATCTGTTGAT-3'
Protein context (NP_001007249.1, residues 227-247): YECNECGKAC[Arg237His]YMADVIRHMR